The following is an entry in ClinVar:

ClinVar aggregate classification (germline): Uncertain significance (1 of 4 stars; one submission).

Submission:

GeneDx
Classification: Uncertain significance. Last evaluated: 2025-12-04. Review status: criteria provided, single submitter. Criteria: GeneDx Variant Classification Process June 2021. Collection method: clinical testing. Allele origin: germline.
Comment: Not observed at significant frequency in large population cohorts (gnomAD); In silico analysis suggests that this missense variant does not alter protein structure/function; Has not been previously published as pathogenic or benign to our knowledge

NM_001367561.1(DOCK7):c.2941A>G (p.Thr981Ala)

Gene: DOCK7 (dedicator of cytokinesis 7; minus strand). Cytogenetic location: 1p31.3.
Variant type: single nucleotide variant.
Coding change: c.2941A>G on transcript NM_001367561.1 (MANE Select); coding-DNA position 2941, A replaced by G.
Protein change: p.Thr981Ala; replaces threonine 981 with alanine.
Molecular consequence: missense variant.
Genome position (GRCh38, 1-based): chr1:62,543,664, T>C on the plus strand (A>G on the coding strand, the complement: DOCK7 is on the minus strand). VCF-style: chr1-62543664-T-C. GRCh37 (hg19) VCF-style: chr1-63009335-T-C.
Other names: c.2941A>G, p.Thr981Ala (NM_001271999.2, NM_001330614.2); c.2848A>G, p.Thr950Ala (NM_001272000.2, NM_001272001.2, NM_033407.4); short protein forms T950A, T981A.
Identifiers: ClinVar variation 3381351 (VCV003381351.2).